The following is an entry in ClinVar:

NM_004984.4(KIF5A):c.673A>T (p.Ser225Cys)

Gene: KIF5A (kinesin family member 5A; plus strand). Cytogenetic location: 12q13.3.
Variant type: single nucleotide variant.
Coding change: c.673A>T on transcript NM_004984.4 (MANE Select); coding-DNA position 673, A replaced by T.
Protein change: p.Ser225Cys; replaces serine 225 with cysteine.
Molecular consequence: missense variant.
Genome position (GRCh38, 1-based): chr12:57,567,577, A>T. VCF-style: chr12-57567577-A-T. GRCh37 (hg19) VCF-style: chr12-57961360-A-T.
Other names: c.406A>T, p.Ser136Cys (NM_001354705.2); short protein forms S136C, S225C.
Identifiers: ClinVar variation 1425603 (VCV001425603.6), dbSNP rs911601615, ClinGen allele CA237782272.

ClinVar aggregate classification (germline): Uncertain significance (1 of 4 stars; one submission).

Conditions:
Spastic paraplegia. Identifiers: MedGen C0037772, HP:0001258.

Submission:

Labcorp Genetics (formerly Invitae), Labcorp
Classification: Uncertain significance for Spastic paraplegia. Last evaluated: 2021-10-14. Review status: criteria provided, single submitter. Criteria: Invitae Variant Classification Sherloc (09022015). Collection method: clinical testing. Allele origin: germline.
Comment: In summary, the available evidence is currently insufficient to determine the role of this variant in disease. Therefore, it has been classified as a Variant of Uncertain Significance. This sequence change replaces serine with cysteine at codon 225 of the KIF5A protein (p.Ser225Cys). The serine residue is moderately conserved and there is a moderate physicochemical difference between serine and cysteine. This variant is not present in population databases (ExAC no frequency). This variant has not been reported in the literature in individuals affected with KIF5A-related conditions. Advanced modeling of protein sequence and biophysical properties (such as structural, functional, and spatial information, amino acid conservation, physicochemical variation, residue mobility, and thermodynamic stability) performed at Invitae indicates that this missense variant is not expected to disrupt KIF5A protein function.